The following is an entry in ClinVar:

ClinVar aggregate classification (germline): Benign (1 of 4 stars; one submission).

Conditions:
Fibrous dysplasia of jaw (CRBM). Also called: Cherubism. Identifiers: Orphanet 184, MedGen C0008029, MONDO:0007315, OMIM 118400.

Allele frequency attached by ClinVar (database versions not stated): gnomAD 0.00001 and 0.00026; TOPMed 0.00007; 1000 Genomes Project 0.00200; 1000 Genomes Project 30x 0.00219.

Submission:

Illumina Laboratory Services, Illumina
Classification: Benign for Fibrous dysplasia of jaw. Last evaluated: 2018-01-12. Review status: criteria provided, single submitter. Criteria: ICSL Variant Classification Criteria 13 December 2019. Collection method: clinical testing. Allele origin: germline.
Comment: This variant was observed in the ICSL laboratory as part of a predisposition screen in an ostensibly healthy population. It had not been previously curated by ICSL or reported in the Human Gene Mutation Database (HGMD: prior to June 1st, 2018), and was therefore a candidate for classification through an automated scoring system. Utilizing variant allele frequency, disease prevalence and penetrance estimates, and inheritance mode, an automated score was calculated to assess if this variant is too frequent to cause the disease. Based on the score and internal cut-off values, a variant classified as benign is not then subjected to further curation. The score for this variant resulted in a classification of benign for this disease.

NM_001122681.2(SH3BP2):c.*5992A>G

Gene: SH3BP2 (SH3 domain binding protein 2; plus strand). Cytogenetic location: 4p16.3.
Variant type: single nucleotide variant.
Coding change: c.*5992A>G on transcript NM_001122681.2 (MANE Select); 5992 bases downstream of the stop codon, A replaced by G.
Molecular consequence: 3 prime UTR variant.
Genome position (GRCh38, 1-based): chr4:2,839,826, A>G. VCF-style: chr4-2839826-A-G. GRCh37 (hg19) VCF-style: chr4-2841553-A-G.
Other names: c.*5992A>G (LRG_1334t2, LRG_1334t1, NM_001145855.2 and 2 more transcripts).
Identifiers: ClinVar variation 348697 (VCV000348697.5), dbSNP rs547319657, ClinGen allele CA10620994.